The following is an entry in ClinVar:

NM_001036.6(RYR3):c.6835G>A (p.Val2279Met)

Gene: RYR3 (ryanodine receptor 3; plus strand). Cytogenetic location: 15q14.
Variant type: single nucleotide variant.
Coding change: c.6835G>A on transcript NM_001036.6 (MANE Select); coding-DNA position 6835, G replaced by A.
Protein change: p.Val2279Met; replaces valine 2279 with methionine.
Molecular consequence: missense variant.
Genome position (GRCh38, 1-based): chr15:33,724,099, G>A. VCF-style: chr15-33724099-G-A. GRCh37 (hg19) VCF-style: chr15-34016300-G-A.
Other names: c.6835G>A, p.Val2279Met (NM_001243996.4); c.6835G>A (NM_001036.5); short protein forms V2279M.
Identifiers: ClinVar variation 579688 (VCV000579688.47), dbSNP rs41279210, ClinGen allele CA7459703.

ClinVar aggregate classification (germline): Uncertain significance. Review status: criteria provided, multiple submitters, no conflicts (2 of 4 stars). 3 submissions from 3 submitters: Uncertain significance (3). Last evaluated 2024-02-17.

Conditions:
Epileptic encephalopathy. Identifiers: MedGen C0543888, HP:0200134.
Congenital myopathy 20 (CMYO20). Identifiers: MedGen C5830393, MONDO:0957215, OMIM 620310.

Allele frequency attached by ClinVar (database versions not stated): TOPMed 0.00043; gnomAD exomes 0.00057 and 0.00088; 1000 Genomes Project 0.00040; gnomAD 0.00041; ExAC 0.00061; ESP Exome Variant Server 0.00065; 1000 Genomes Project 30x 0.00031.
gnomAD v4.1: 1,346 of 1,611,934 alleles (0.084%); highest among the groups gnomAD compares: Non-Finnish European, 0.11%; 1 homozygote.

Submissions (3):

Labcorp Genetics (formerly Invitae), Labcorp
Classification: Uncertain significance for Epileptic encephalopathy. Last evaluated: 2024-02-17. Review status: criteria provided, single submitter. Criteria: Invitae Variant Classification Sherloc (09022015). Collection method: clinical testing. Allele origin: germline.
Comment: This sequence change replaces valine, which is neutral and non-polar, with methionine, which is neutral and non-polar, at codon 2279 of the RYR3 protein (p.Val2279Met). This variant is present in population databases (rs41279210, gnomAD 0.1%), and has an allele count higher than expected for a pathogenic variant. This variant has not been reported in the literature in individuals affected with RYR3-related conditions. ClinVar contains an entry for this variant (Variation ID: 579688). Advanced modeling of protein sequence and biophysical properties (such as structural, functional, and spatial information, amino acid conservation, physicochemical variation, residue mobility, and thermodynamic stability) performed at Invitae indicates that this missense variant is not expected to disrupt RYR3 protein function with a negative predictive value of 80%. In summary, the available evidence is currently insufficient to determine the role of this variant in disease. Therefore, it has been classified as a Variant of Uncertain Significance.

CeGaT Center for Human Genetics Tuebingen
Classification: Uncertain significance. Last evaluated: 2021-10-01. Review status: criteria provided, single submitter. Criteria: CeGaT Center For Human Genetics Tuebingen Variant Classification Criteria Version 2. Collection method: clinical testing. Allele origin: germline. Affected: yes. Observed: 1 variant allele.

Revvity Omics, Revvity
Classification: Uncertain significance for Congenital myopathy 20. Last evaluated: 2019-01-18. Review status: criteria provided, single submitter. Criteria: ACMG Guidelines, 2015. Collection method: clinical testing. Allele origin: germline.